The following is an entry in ClinVar:

NM_053025.4(MYLK):c.*1538A>G

Genes: MYLK (myosin light chain kinase; minus strand), MYLK-AS1 (MYLK antisense RNA 1; plus strand). Cytogenetic location: 3q21.1.
Variant type: single nucleotide variant.
Coding change: c.*1538A>G on transcript NM_053025.4 (MANE Select); 1538 bases downstream of the stop codon, A replaced by G.
Molecular consequence: 3 prime UTR variant.
Genome position (GRCh38, 1-based): chr3:123,612,567, T>C on the plus strand (A>G on the coding strand, the complement: MYLK is on the minus strand). VCF-style: chr3-123612567-T-C. GRCh37 (hg19) VCF-style: chr3-123331414-T-C.
Other names: c.*1538A>G (NM_001321309.2, NM_053026.4, NM_053027.4 and 3 more transcripts).
Identifiers: ClinVar variation 342828 (VCV000342828.5), dbSNP rs116709353, ClinGen allele CA10617028.
Genomic context (GRCh38, chr3:123,612,567, plus strand): 5'-TGATAGAAAAAAGCTTTGAATGCGCTAAATCAAATAAAAACCCTTTATTATAATAAACTG[T>C]GGCAATACTGTGGCTATCATGAAAAATATTGTAACTATTTTAAAAGCAAAAGGAAAAATA-3'

ClinVar aggregate classification (germline): Benign (1 of 4 stars; one submission).

Conditions:
Aortic aneurysm, familial thoracic 7 (AAT7). Also called: AORTIC DISSECTION, FAMILIAL, WITH OR WITHOUT AORTIC ANEURYSM. Identifiers: MedGen C3151077, MONDO:0013418, OMIM 613780.

Allele frequency attached by ClinVar (database versions not stated): gnomAD 0.01648 and 0.01769; TOPMed 0.01857; 1000 Genomes Project 0.02037; 1000 Genomes Project 30x 0.02171.

Submission:

Illumina Laboratory Services, Illumina
Classification: Benign for Aortic aneurysm, familial thoracic 7. Last evaluated: 2018-01-13. Review status: criteria provided, single submitter. Criteria: ICSL Variant Classification Criteria 13 December 2019. Collection method: clinical testing. Allele origin: germline.
Comment: This variant was observed in the ICSL laboratory as part of a predisposition screen in an ostensibly healthy population. It had not been previously curated by ICSL or reported in the Human Gene Mutation Database (HGMD: prior to June 1st, 2018), and was therefore a candidate for classification through an automated scoring system. Utilizing variant allele frequency, disease prevalence and penetrance estimates, and inheritance mode, an automated score was calculated to assess if this variant is too frequent to cause the disease. Based on the score and internal cut-off values, a variant classified as benign is not then subjected to further curation. The score for this variant resulted in a classification of benign for this disease.